The following is an entry in ClinVar:

NM_001371986.1(UNC80):c.5029+2T>C

Gene: UNC80 (unc-80 subunit of NALCN channel complex; plus strand). Cytogenetic location: 2q34.
Variant type: single nucleotide variant.
Coding change: c.5029+2T>C on transcript NM_001371986.1 (MANE Select); the canonical splice donor site of the intron after coding-DNA position 5029, T replaced by C.
Molecular consequence: splice donor variant.
Genome position (GRCh38, 1-based): chr2:209,913,942, T>C. VCF-style: chr2-209913942-T-C. GRCh37 (hg19) VCF-style: chr2-210778666-T-C.
Other names: c.4831+2T>C (NM_032504.2); c.4816+2T>C (NM_182587.4).
Identifiers: ClinVar variation 4807330 (VCV004807330.1).

ClinVar aggregate classification (germline): Likely pathogenic (1 of 4 stars; one submission).

Submission:

Labcorp Genetics (formerly Invitae), Labcorp
Classification: Likely pathogenic. Last evaluated: 2025-11-27. Review status: criteria provided, single submitter. Criteria: Invitae Variant Classification Sherloc (09022015). Collection method: clinical testing. Allele origin: germline.
Comment: This sequence change affects a donor splice site in intron 30 of the UNC80 gene. It is expected to disrupt RNA splicing. Variants that disrupt the donor or acceptor splice site typically lead to a loss of protein function (PMID: 16199547), and loss-of-function variants in UNC80 are known to be pathogenic (PMID: 26545877, 26708751, 26708753). This variant is not present in population databases (gnomAD no frequency). This variant has not been reported in the literature in individuals affected with UNC80-related conditions. Algorithms developed to predict the effect of sequence changes on RNA splicing suggest that this variant may disrupt the consensus splice site. In summary, the currently available evidence indicates that the variant is pathogenic, but additional data are needed to prove that conclusively. Therefore, this variant has been classified as Likely Pathogenic.

Literature cited by the submitters: PubMed 16199547; PubMed 26545877; PubMed 26708751; PubMed 26708753.